The following is an entry in ClinVar:

ClinVar aggregate classification (germline): Likely pathogenic (1 of 4 stars; one submission).

Submission:

Labcorp Genetics (formerly Invitae), Labcorp
Classification: Likely pathogenic. Last evaluated: 2023-04-02. Review status: criteria provided, single submitter. Criteria: Invitae Variant Classification Sherloc (09022015). Collection method: clinical testing. Allele origin: germline.
Comment: This variant has not been reported in the literature in individuals affected with USH1C-related conditions. In summary, the currently available evidence indicates that the variant is pathogenic, but additional data are needed to prove that conclusively. Therefore, this variant has been classified as Likely Pathogenic. Algorithms developed to predict the effect of sequence changes on RNA splicing suggest that this variant may disrupt the consensus splice site. This variant is not present in population databases (gnomAD no frequency). This sequence change affects a donor splice site in intron 17 of the USH1C gene. It is expected to disrupt RNA splicing. Variants that disrupt the donor or acceptor splice site typically lead to a loss of protein function (PMID: 16199547), and loss-of-function variants in USH1C are known to be pathogenic (PMID: 10973247, 17407589, 20301442, 21203349).

Literature cited by the submitters: PubMed 16199547; PubMed 10973247; PubMed 17407589; PubMed 20301442; PubMed 21203349.

NM_153676.4(USH1C):c.2280+1G>T

Gene: USH1C (USH1 protein network component harmonin; minus strand). Cytogenetic location: 11p15.1.
Variant type: single nucleotide variant.
Coding change: c.2280+1G>T on transcript NM_153676.4 (MANE Select); the canonical splice donor site of the intron after coding-DNA position 2280, G replaced by T.
Molecular consequence: splice donor variant.
Genome position (GRCh38, 1-based): chr11:17,501,481, C>A on the plus strand (G>T on the coding strand, the complement: USH1C is on the minus strand). VCF-style: chr11-17501481-C-A. GRCh37 (hg19) VCF-style: chr11-17523028-C-A.
Other names: c.1323+1G>T (NM_001297764.2); c.1380+1G>T (NM_005709.4).
Identifiers: ClinVar variation 2851534 (VCV002851534.3), dbSNP rs2497003399, ClinGen allele CA379803286.